The following is an entry in ClinVar:

ClinVar aggregate classification (germline): Pathogenic. Review status: criteria provided, multiple submitters, no conflicts (2 of 4 stars). 2 submissions from 2 submitters: Pathogenic (2). Last evaluated 2025-06-26.

Conditions:
Hereditary cancer-predisposing syndrome. Also called: Tumor predisposition; Hereditary neoplastic syndrome; Neoplastic Syndromes, Hereditary; Hereditary Cancer Syndrome. Identifiers: Orphanet 140162, MedGen C0027672, MeSH D009386, MONDO:0015356.
Familial cancer of breast. Also called: Hereditary breast cancer; hereditary breast carcinoma; BREAST CANCER, FAMILIAL. Identifiers: Orphanet 227535, MedGen C0346153, MONDO:0016419, OMIM 114480. Disease mechanism: loss of function.

Submissions (2):

Ambry Genetics
Classification: Pathogenic for Hereditary cancer-predisposing syndrome. Last evaluated: 2025-06-26. Review status: criteria provided, single submitter. Criteria: Ambry Variant Classification Scheme 2023. Collection method: clinical testing. Allele origin: germline.
Comment: The c.1759delG pathogenic mutation, located in coding exon 5 of the PALB2 gene, results from a deletion of one nucleotide at nucleotide position 1759, causing a translational frameshift with a predicted alternate stop codon (p.A587Lfs*12). This variant is considered to be rare based on population cohorts in the Genome Aggregation Database (gnomAD). This alteration is expected to result in loss of function by premature protein truncation or nonsense-mediated mRNA decay. As such, this alteration is interpreted as a disease-causing mutation.

Labcorp Genetics (formerly Invitae), Labcorp
Classification: Pathogenic for Familial cancer of breast. Last evaluated: 2020-05-28. Review status: criteria provided, single submitter. Criteria: Invitae Variant Classification Sherloc (09022015). Collection method: clinical testing. Allele origin: germline.
Comment: This sequence change creates a premature translational stop signal (p.Ala587Leufs*12) in the PALB2 gene. It is expected to result in an absent or disrupted protein product. This variant is not present in population databases (ExAC no frequency). This variant has not been reported in the literature in individuals with PALB2-related conditions. Loss-of-function variants in PALB2 are known to be pathogenic (PMID: 17200668, 24136930, 25099575). For these reasons, this variant has been classified as Pathogenic.

Literature cited by the submitters: PubMed 17200668 (cited by Labcorp Genetics (formerly Invitae), Labcorp); PubMed 24136930 (cited by Labcorp Genetics (formerly Invitae), Labcorp); PubMed 25099575 (cited by Labcorp Genetics (formerly Invitae), Labcorp).

NM_024675.4(PALB2):c.1759del (p.Ala587fs)

Gene: PALB2 (partner and localizer of BRCA2; minus strand). Cytogenetic location: 16p12.2.
Variant type: Deletion.
Coding change: c.1759del on transcript NM_024675.4 (MANE Select); coding-DNA position 1759, one base deleted (G; older notation c.1759delG).
Protein change: p.Ala587fs; shifts the reading frame from alanine 587.
Molecular consequence: frameshift variant.
Genome position (GRCh38, 1-based): chr16:23,630,395, C deleted on the plus strand (G on the coding strand, the reverse complement: PALB2 is on the minus strand). VCF-style (leftmost placement, unchanged base first): chr16-23630394-GC-G. GRCh37 (hg19) VCF-style: chr16-23641715-GC-G.
Other names: c.1759delG (NM_024675.3); short protein forms A587fs.
Identifiers: ClinVar variation 1074035 (VCV001074035.9), dbSNP rs2142389921, ClinGen allele CA2499223431.